The following is an entry in ClinVar:

NM_000540.3(RYR1):c.4971C>T (p.Asp1657=)

Gene: RYR1 (ryanodine receptor 1; plus strand). Cytogenetic location: 19q13.2.
Variant type: single nucleotide variant.
Coding change: c.4971C>T on transcript NM_000540.3 (MANE Select); coding-DNA position 4971, C replaced by T.
Protein change: p.Asp1657=; no amino-acid change (aspartic acid 1657 retained).
Molecular consequence: synonymous variant.
Genome position (GRCh38, 1-based): chr19:38,485,626, C>T. VCF-style: chr19-38485626-C-T. GRCh37 (hg19) VCF-style: chr19-38976266-C-T.
Other names: c.4971C>T, p.Asp1657= (NM_001042723.2).
Identifiers: ClinVar variation 256524 (VCV000256524.57), dbSNP rs141107290, ClinGen allele CA066559.

ClinVar aggregate classification (germline): Conflicting classifications of pathogenicity. Review status: criteria provided, conflicting classifications (1 of 4 stars). 9 submissions from 8 submitters: Uncertain significance (1); Benign (3); Likely benign (4). 1 of the submissions does not count toward it. Last evaluated 2026-09-01.

Conditions:
RYR1-related disorder. Also called: RYR1-related disorders; RYR1-related condition. Identifiers: MedGen CN239331.
Malignant hyperthermia, susceptibility to, 1 (MHS1). Also called: Malignant hyperthermia suceptibility 1; Anesthesia related hyperthermia; Malignant hyperpyrexia; Fulminating hyperpyrexia; Pharmacogenic myopathy; RYR1-Related Malignant Hyperthermia Susceptibility. Identifiers: Orphanet 423, MedGen C2930980, MONDO:0007783, OMIM 145600.
Congenital multicore myopathy with external ophthalmoplegia (CMYO1B). Also called: Congenital myopathy 1B, autosomal recessive; Minicore myopathy; MULTIMINICORE DISEASE WITH EXTERNAL OPHTHALMOPLEGIA; Minicore myopathy with external ophthalmoplegia; MULTICORE MYOPATHY. Identifiers: Orphanet 598, Orphanet 98905, MedGen C1850674, MONDO:0009712, OMIM 255320, HP:0003789.

Allele frequency attached by ClinVar (database versions not stated): 1000 Genomes Project 30x 0.00031; 1000 Genomes Project 0.00040; gnomAD 0.00078 and 0.00080; ExAC 0.00095; TOPMed 0.00114; ESP Exome Variant Server 0.00115; gnomAD exomes 0.00117.
gnomAD v4.1: 1,298 of 1,610,200 alleles (0.081%); highest among the groups gnomAD compares: Middle Eastern, 0.39%; 5 homozygotes.

Submissions (9):

CeGaT Center for Human Genetics Tuebingen
Classification: Likely benign. Last evaluated: 2026-09-01. Review status: criteria provided, single submitter. Criteria: CeGaT Center For Human Genetics Tuebingen Variant Classification Criteria Version 2. Collection method: clinical testing. Allele origin: germline. Affected: yes. Observed: 45 variant alleles.
Comment: RYR1: BP4, BP7

Labcorp Genetics (formerly Invitae), Labcorp
Classification: Benign for RYR1-related disorder. Last evaluated: 2026-02-03. Review status: criteria provided, single submitter. Criteria: Invitae Variant Classification Sherloc (09022015). Collection method: clinical testing. Allele origin: germline.

Blueprint Genetics
Classification: Likely benign. Last evaluated: 2024-11-27. Review status: criteria provided, single submitter. Criteria: ACMG Guidelines, 2015. Collection method: clinical testing. Allele origin: germline.

All of Us Research Program, National Institutes of Health
Classification: Benign for Malignant hyperthermia, susceptibility to, 1. Last evaluated: 2024-02-05. Review status: criteria provided, single submitter. Criteria: ACMG Guidelines, 2015. Collection method: clinical testing. Allele origin: germline. Inheritance: Autosomal dominant inheritance. Observed: 305 variant alleles, 305 heterozygotes.
Comment: This study involves interpretation of variants in research participants for the purpose of population health screening. Participant phenotype was not available at the time of variant classification. Additional details can be found in publication PMID: 35346344, PMCID: PMC8962531

GeneDx
Classification: Likely benign. Last evaluated: 2021-09-18. Review status: criteria provided, single submitter. Criteria: GeneDx Variant Classification Process June 2021. Collection method: clinical testing. Allele origin: germline. Affected: yes.

Color Diagnostics, LLC DBA Color Health
Classification: Benign for Malignant hyperthermia, susceptibility to, 1. Last evaluated: 2019-03-29. Review status: criteria provided, single submitter. Criteria: ACMG Guidelines, 2015. Collection method: clinical testing. Allele origin: germline.

Illumina Laboratory Services, Illumina
Classification: Likely benign for Malignant hyperthermia, susceptibility to, 1. Last evaluated: 2018-01-13. Review status: criteria provided, single submitter. Criteria: ICSL Variant Classification Criteria 13 December 2019. Collection method: clinical testing. Allele origin: germline.
Comment: This variant was observed in the ICSL laboratory as part of a predisposition screen in an ostensibly healthy population. It had not been previously curated by ICSL or reported in the Human Gene Mutation Database (HGMD: prior to June 1st, 2018), and was therefore a candidate for classification through an automated scoring system. Utilizing variant allele frequency, disease prevalence and penetrance estimates, and inheritance mode, an automated score was calculated to assess if this variant is too frequent to cause the disease. Based on the score and internal cut-off values, a variant classified as likely benign is not then subjected to further curation. The score for this variant resulted in a classification of likely benign for this disease.

Illumina Laboratory Services, Illumina
Classification: Uncertain significance for Congenital multicore myopathy with external ophthalmoplegia. Last evaluated: 2018-01-13. Review status: criteria provided, single submitter. Criteria: ICSL Variant Classification Criteria 13 December 2019. Collection method: clinical testing. Allele origin: germline.

PreventionGenetics, part of Exact Sciences
Classification: Benign for RYR1-related condition. Last evaluated: 2020-02-12. Review status: no assertion criteria provided. Collection method: clinical testing. Allele origin: germline. Not counted in ClinVar's aggregate classification.
Comment: This variant is classified as benign based on ACMG/AMP sequence variant interpretation guidelines (Richards et al. 2015 PMID: 25741868, with internal and published modifications).